The following is an entry in ClinVar:

ClinVar aggregate classification (germline): Uncertain significance (1 of 4 stars; one submission).

gnomAD v4.1: 3 of 1,613,484 alleles (0.00019%); highest among the groups gnomAD compares: Admixed American, 0.0033%; no homozygotes.

Submission:

Labcorp Genetics (formerly Invitae), Labcorp
Classification: Uncertain significance. Last evaluated: 2025-06-12. Review status: criteria provided, single submitter. Criteria: Invitae Variant Classification Sherloc (09022015). Collection method: clinical testing. Allele origin: germline.
Comment: This sequence change falls in intron 3 of the AQP1 gene. It does not directly change the encoded amino acid sequence of the AQP1 protein. It affects a nucleotide within the consensus splice site. This variant is present in population databases (no rsID available, gnomAD 0.0009%). This variant has not been reported in the literature in individuals affected with AQP1-related conditions. Variants that disrupt the consensus splice site are a relatively common cause of aberrant splicing (PMID: 17576681, 9536098). Algorithms developed to predict the effect of sequence changes on RNA splicing suggest that this variant is not likely to affect RNA splicing. In summary, the available evidence is currently insufficient to determine the role of this variant in disease. Therefore, it has been classified as a Variant of Uncertain Significance.

Literature cited by the submitters: PubMed 17576681; PubMed 9536098.

NM_198098.4(AQP1):c.630+6A>G

Gene: AQP1 (aquaporin 1 (Colton blood group); plus strand). Cytogenetic location: 7p14.3.
Variant type: single nucleotide variant.
Coding change: c.630+6A>G on transcript NM_198098.4 (MANE Select); 6 bases into the intron after coding-DNA position 630, A replaced by G.
Molecular consequence: intron variant.
Genome position (GRCh38, 1-based): chr7:30,922,650, A>G. VCF-style: chr7-30922650-A-G. GRCh37 (hg19) VCF-style: chr7-30962265-A-G.
Other names: c.630+6A>G (NM_001329872.2).
Identifiers: ClinVar variation 4699027 (VCV004699027.1).